The following is an entry in ClinVar:

ClinVar aggregate classification (germline): Uncertain significance (1 of 4 stars; one submission).

Allele frequency attached by ClinVar (database versions not stated): gnomAD exomes below 0.00001; gnomAD 0.00001.
gnomAD v4.1: 7 of 1,613,898 alleles (0.00043%); highest among the groups gnomAD compares: Non-Finnish European, 0.00059%; no homozygotes.

Submission:

Labcorp Genetics (formerly Invitae), Labcorp
Classification: Uncertain significance for Combined immunodeficiency due to DOCK8 deficiency. Last evaluated: 2023-08-22. Review status: criteria provided, single submitter. Criteria: Invitae Variant Classification Sherloc (09022015). Collection method: clinical testing. Allele origin: germline.
Comment: In summary, the available evidence is currently insufficient to determine the role of this variant in disease. Therefore, it has been classified as a Variant of Uncertain Significance. Advanced modeling of protein sequence and biophysical properties (such as structural, functional, and spatial information, amino acid conservation, physicochemical variation, residue mobility, and thermodynamic stability) performed at Invitae indicates that this missense variant is not expected to disrupt DOCK8 protein function. ClinVar contains an entry for this variant (Variation ID: 2085156). This variant has not been reported in the literature in individuals affected with DOCK8-related conditions. This variant is present in population databases (no rsID available, gnomAD 0.002%). This sequence change replaces glutamic acid, which is acidic and polar, with lysine, which is basic and polar, at codon 2055 of the DOCK8 protein (p.Glu2055Lys).

NM_203447.4(DOCK8):c.6163G>A (p.Glu2055Lys)

Gene: DOCK8 (dedicator of cytokinesis 8; plus strand). Cytogenetic location: 9p24.3.
Variant type: single nucleotide variant.
Coding change: c.6163G>A on transcript NM_203447.4 (MANE Select); coding-DNA position 6163, G replaced by A.
Protein change: p.Glu2055Lys; replaces glutamic acid 2055 with lysine.
Molecular consequence: missense variant.
Genome position (GRCh38, 1-based): chr9:463,611, G>A. VCF-style: chr9-463611-G-A. GRCh37 (hg19) VCF-style: chr9-463611-G-A.
Other names: c.5863G>A, p.Glu1955Lys (NM_001190458.2); c.5959G>A, p.Glu1987Lys (NM_001193536.2); short protein forms E1987K, E1955K, E2055K.
Identifiers: ClinVar variation 2085156 (VCV002085156.3), dbSNP rs1343200293, ClinGen allele CA372751738.